The following is an entry in ClinVar:

ClinVar aggregate classification (germline): Uncertain significance (1 of 4 stars; one submission).

gnomAD v4.1: 1 of 1,205,564 alleles (0.000083%); highest among the groups gnomAD compares: Non-Finnish European, 0.00011%; no homozygotes.

Submission:

CeGaT Center for Human Genetics Tuebingen
Classification: Uncertain significance. Last evaluated: 2024-01-01. Review status: criteria provided, single submitter. Criteria: CeGaT Center For Human Genetics Tuebingen Variant Classification Criteria Version 2. Collection method: clinical testing. Allele origin: germline. Affected: yes. Observed: 1 variant allele.
Comment: AFF2: PVS1:Moderate

NM_002025.4(AFF2):c.3814+1G>T

Gene: AFF2 (ALF transcription elongation factor 2; plus strand). Cytogenetic location: Xq28.
Variant type: single nucleotide variant.
Coding change: c.3814+1G>T on transcript NM_002025.4 (MANE Select); the canonical splice donor site of the intron after coding-DNA position 3814, G replaced by T.
Molecular consequence: splice donor variant.
Genome position (GRCh38, 1-based): chrX:148,987,558, G>T. VCF-style: chrX-148987558-G-T. GRCh37 (hg19) VCF-style: chrX-148069088-G-T.
Other names: c.3709+1G>T (NM_001169124.2, NM_001169122.2); c.3784+1G>T (NM_001169123.2); c.3697+1G>T (NM_001169125.2); c.2737+1G>T (NM_001170628.1).
Identifiers: ClinVar variation 3026995 (VCV003026995.22), dbSNP rs782699057, ClinGen allele CA414516876.